The following is an entry in ClinVar:

NM_144585.4(SLC22A12):c.1185C>T (p.Gly395=)

Gene: SLC22A12 (solute carrier family 22 member 12; plus strand). Cytogenetic location: 11q13.1.
Variant type: single nucleotide variant.
Coding change: c.1185C>T on transcript NM_144585.4 (MANE Select); coding-DNA position 1185, C replaced by T.
Protein change: p.Gly395=; no amino-acid change (glycine 395 retained).
Molecular consequence: synonymous variant.
Genome position (GRCh38, 1-based): chr11:64,599,790, C>T. VCF-style: chr11-64599790-C-T. GRCh37 (hg19) VCF-style: chr11-64367262-C-T.
Other names: c.1185C>T (NM_144585.3); c.1083C>T, p.Gly361= (NM_001276326.2); c.861C>T, p.Gly287= (NM_001276327.2); c.522C>T, p.Gly174= (NM_153378.3).
Identifiers: ClinVar variation 2176266 (VCV002176266.5), dbSNP rs138457974, ClinGen allele CA6077335.

ClinVar aggregate classification (germline): Likely benign. Review status: criteria provided, multiple submitters, no conflicts (2 of 4 stars). 2 submissions from 2 submitters: Likely benign (2). Last evaluated 2025-10-27.

Conditions:
SLC22A12-related disorder. Also called: SLC22A12-related condition.

Allele frequency attached by ClinVar (database versions not stated): ExAC 0.00010; gnomAD 0.00020; TOPMed 0.00026; ESP Exome Variant Server 0.00031; 1000 Genomes Project 0.00040; 1000 Genomes Project 30x 0.00047.
gnomAD v4.1: 81 of 1,612,890 alleles (0.005%); highest among the groups gnomAD compares: African/African-American, 0.091%; no homozygotes.

Submissions (2):

PreventionGenetics, part of Exact Sciences
Classification: Likely benign for SLC22A12-related condition. Last evaluated: 2025-10-27. Review status: criteria provided, single submitter. Criteria: ACMG Guidelines, 2015. Collection method: clinical testing. Allele origin: germline.
Comment: This variant is classified as likely benign based on ACMG/AMP sequence variant interpretation guidelines (Richards et al. 2015 PMID: 25741868, with internal and published modifications).

Labcorp Genetics (formerly Invitae), Labcorp
Classification: Likely benign. Last evaluated: 2025-06-12. Review status: criteria provided, single submitter. Criteria: Invitae Variant Classification Sherloc (09022015). Collection method: clinical testing. Allele origin: germline.